The following is an entry in ClinVar:

NM_000069.3(CACNA1S):c.1119C>T (p.Gly373=)

Gene: CACNA1S (calcium voltage-gated channel subunit alpha1 S; minus strand). Cytogenetic location: 1q32.1.
Variant type: single nucleotide variant.
Coding change: c.1119C>T on transcript NM_000069.3 (MANE Select); coding-DNA position 1119, C replaced by T.
Protein change: p.Gly373=; no amino-acid change (glycine 373 retained).
Molecular consequence: synonymous variant.
Genome position (GRCh38, 1-based): chr1:201,085,467, G>A on the plus strand (C>T on the coding strand, the complement: CACNA1S is on the minus strand). VCF-style: chr1-201085467-G-A. GRCh37 (hg19) VCF-style: chr1-201054595-G-A.
Identifiers: ClinVar variation 2929181 (VCV002929181.3), dbSNP rs777414745, ClinGen allele CA077955.

ClinVar aggregate classification (germline): Uncertain significance (1 of 4 stars; one submission).

Conditions:
Malignant hyperthermia, susceptibility to, 5 (MHS5). Also called: CACNA1S-Related Malignant Hyperthermia Susceptibility. Identifiers: Orphanet 423, MedGen C1866077, MONDO:0011163, OMIM 601887.
Hypokalemic periodic paralysis, type 1. Also called: Hypokalemic Periodic Paralysis Type 1 (AD); HypoPP. Identifiers: Orphanet 681, MedGen C3714580, MONDO:0042979, OMIM 170400.

Allele frequency attached by ClinVar (database versions not stated): ExAC 0.00001; TOPMed 0.00001.
gnomAD v4.1: 10 of 1,613,316 alleles (0.00062%); highest among the groups gnomAD compares: South Asian, 0.0022%; no homozygotes.

Submission:

Labcorp Genetics (formerly Invitae), Labcorp
Classification: Uncertain significance for Hypokalemic periodic paralysis, type 1; Malignant hyperthermia, susceptibility to, 5. Last evaluated: 2023-05-18. Review status: criteria provided, single submitter. Criteria: Invitae Variant Classification Sherloc (09022015). Collection method: clinical testing. Allele origin: germline.
Comment: In summary, the available evidence is currently insufficient to determine the role of this variant in disease. Therefore, it has been classified as a Variant of Uncertain Significance. Algorithms developed to predict the effect of sequence changes on RNA splicing suggest that this variant may disrupt the consensus splice site. This variant has not been reported in the literature in individuals affected with CACNA1S-related conditions. This variant is present in population databases (rs777414745, gnomAD 0.006%). This sequence change affects codon 373 of the CACNA1S mRNA. It is a 'silent' change, meaning that it does not change the encoded amino acid sequence of the CACNA1S protein.